The following is an entry in ClinVar:

NM_001040436.3(YARS2):c.751A>G (p.Ile251Val)

Gene: YARS2 (tyrosyl-tRNA synthetase 2; minus strand). Cytogenetic location: 12p11.21.
Variant type: single nucleotide variant.
Coding change: c.751A>G on transcript NM_001040436.3 (MANE Select); coding-DNA position 751, A replaced by G.
Protein change: p.Ile251Val; replaces isoleucine 251 with valine.
Molecular consequence: missense variant.
Genome position (GRCh38, 1-based): chr12:32,755,124, T>C on the plus strand (A>G on the coding strand, the complement: YARS2 is on the minus strand). VCF-style: chr12-32755124-T-C. GRCh37 (hg19) VCF-style: chr12-32908058-T-C.
Other names: short protein forms I251V.
Identifiers: ClinVar variation 209209 (VCV000209209.7), dbSNP rs372098364, ClinGen allele CA250409.
Genomic context (GRCh38, chr12:32,755,124, plus strand): 5'-CCAGGATTTCCCCAAGGTTTAAAGGCACTTACTTGTTGATGAACTCATATCCGGACATGA[T>C]GTTGCCTAGTTGATCAGATCCGCCCAGCTGGACCCTGCATCCATAACGCTGGAAGAGGTA-3'
Protein context (NP_001035526.1, residues 241-261): QLGGSDQLGN[Ile251Val]MSGYEFINKL

ClinVar aggregate classification (germline): Likely pathogenic. Review status: criteria provided, multiple submitters, no conflicts (2 of 4 stars). 2 submissions from 2 submitters: Likely pathogenic (2). Last evaluated 2025-08-25.

Conditions:
Myopathy, lactic acidosis, and sideroblastic anemia 2 (MLASA2). Identifiers: Orphanet 2598, MedGen C3150802, MONDO:0013307, OMIM 613561.

Allele frequency attached by ClinVar (database versions not stated): ExAC 0.00005; gnomAD 0.00005 and 0.00007; TOPMed 0.00006; ESP Exome Variant Server 0.00008.
gnomAD v4.1: 109 of 1,614,056 alleles (0.0068%); highest among the groups gnomAD compares: Non-Finnish European, 0.0089%; no homozygotes.

Submissions (2):

Labcorp Genetics (formerly Invitae), Labcorp
Classification: Likely pathogenic. Last evaluated: 2025-08-25. Review status: criteria provided, single submitter. Criteria: Invitae Variant Classification Sherloc (09022015). Collection method: clinical testing. Allele origin: germline.
Comment: This sequence change replaces isoleucine, which is neutral and non-polar, with valine, which is neutral and non-polar, at codon 251 of the YARS2 protein (p.Ile251Val). This variant is present in population databases (rs372098364, gnomAD 0.01%). This missense change has been observed in individual(s) with YARS2-related conditions (PMID: 26944241, 33144682). In at least one individual the data is consistent with being in trans (on the opposite chromosome) from a pathogenic variant. ClinVar contains an entry for this variant (Variation ID: 209209). Invitae Evidence Modeling of protein sequence and biophysical properties (such as structural, functional, and spatial information, amino acid conservation, physicochemical variation, residue mobility, and thermodynamic stability) has been performed for this missense variant. However, the output from this modeling did not meet the statistical confidence thresholds required to predict the impact of this variant on YARS2 protein function. In summary, the currently available evidence indicates that the variant is pathogenic, but additional data are needed to prove that conclusively. Therefore, this variant has been classified as Likely Pathogenic.

Baylor Genetics
Classification: Likely pathogenic for Myopathy, lactic acidosis, and sideroblastic anemia 2. Last evaluated: 2014-04-01. Review status: criteria provided, single submitter. Criteria: Yang et al. 2013. Collection method: clinical testing. Allele origin: paternal, germline. Inheritance: Autosomal recessive inheritance. Affected: yes. Observed: 2 variant alleles, 1 heterozygote, 1 compound heterozygote. Study: Adult_WES.
Comment: Variant likely pathogenic in recessive state; heterozygotes would be carriers.

Literature cited by the submitters: PubMed 26944241 (cited by Labcorp Genetics (formerly Invitae), Labcorp); PubMed 33144682 (cited by Labcorp Genetics (formerly Invitae), Labcorp); PubMed 26633545 (cited by Baylor Genetics).